The following is an entry in ClinVar:

ClinVar aggregate classification (germline): Uncertain significance (1 of 4 stars; one submission).

Submission:

Labcorp Genetics (formerly Invitae), Labcorp
Classification: Uncertain significance. Last evaluated: 2022-08-19. Review status: criteria provided, single submitter. Criteria: Invitae Variant Classification Sherloc (09022015). Collection method: clinical testing. Allele origin: germline.
Comment: In summary, the available evidence is currently insufficient to determine the role of this variant in disease. Therefore, it has been classified as a Variant of Uncertain Significance. This sequence change replaces leucine, which is neutral and non-polar, with phenylalanine, which is neutral and non-polar, at codon 495 of the CNGA1 protein (p.Leu495Phe). This variant is not present in population databases (gnomAD no frequency). This variant has not been reported in the literature in individuals affected with CNGA1-related conditions. Algorithms developed to predict the effect of missense changes on protein structure and function are either unavailable or do not agree on the potential impact of this missense change (SIFT: "Deleterious"; PolyPhen-2: "Probably Damaging"; Align-GVGD: "Class C15").

NM_001379270.1(CNGA1):c.1473G>C (p.Leu491Phe)

Genes: CNGA1 (cyclic nucleotide gated channel subunit alpha 1; minus strand), LOC101927157 (uncharacterized LOC101927157; plus strand). Cytogenetic location: 4p12.
Variant type: single nucleotide variant.
Coding change: c.1473G>C on transcript NM_001379270.1 (MANE Select); coding-DNA position 1473, G replaced by C.
Protein change: p.Leu491Phe; replaces leucine 491 with phenylalanine.
Molecular consequence: missense variant.
Genome position (GRCh38, 1-based): chr4:47,937,009, C>G on the plus strand (G>C on the coding strand, the complement: CNGA1 is on the minus strand). VCF-style: chr4-47937009-C-G. GRCh37 (hg19) VCF-style: chr4-47939026-C-G.
Other names: c.1473G>C, p.Leu491Phe (NM_000087.5, NM_001142564.2); short protein forms L491F.
Identifiers: ClinVar variation 1716772 (VCV001716772.5), dbSNP rs1292191547, ClinGen allele CA356825602.
Genomic context (GRCh38, chr4:47,937,009, plus strand): 5'-CTCTCGTCCGATATCCCCTTTCTTGCAAATATAATCTCCAGGACTGTAGACTTGGGGTTG[C>G]AATTTCAAGACCAACTCCACCAACAGACCAGCTTCACAATCAGCAAAAATGCGTACCTTT-3'
Protein context (NP_001366199.1, residues 481-501): AGLLVELVLK[Leu491Phe]QPQVYSPGDY